The following is an entry in ClinVar:

ClinVar aggregate classification (germline): Likely benign. Review status: criteria provided, multiple submitters, no conflicts (2 of 4 stars). 3 submissions from 3 submitters: Likely benign (2). 1 of the submissions does not count toward it. Last evaluated 2025-11-01.

Conditions:
RAI1-related disorder. Also called: RAI1-related condition.

Allele frequency attached by ClinVar (database versions not stated): gnomAD exomes 0.00007 and 0.00008; TOPMed 0.00007; gnomAD 0.00008; ExAC 0.00009.
gnomAD v4.1: 121 of 1,582,314 alleles (0.0076%); highest among the groups gnomAD compares: African/African-American, 0.015%; no homozygotes.

Submissions (3):

CeGaT Center for Human Genetics Tuebingen
Classification: Likely benign. Last evaluated: 2025-11-01. Review status: criteria provided, single submitter. Criteria: CeGaT Center For Human Genetics Tuebingen Variant Classification Criteria Version 2. Collection method: clinical testing. Allele origin: germline. Affected: yes. Observed: 2 variant alleles.
Comment: RAI1: BP4, BP7

Labcorp Genetics (formerly Invitae), Labcorp
Classification: Likely benign. Last evaluated: 2025-07-08. Review status: criteria provided, single submitter. Criteria: Invitae Variant Classification Sherloc (09022015). Collection method: clinical testing. Allele origin: germline.

PreventionGenetics, part of Exact Sciences
Classification: Likely benign for RAI1-related condition. Last evaluated: 2020-10-05. Review status: no assertion criteria provided. Collection method: clinical testing. Allele origin: germline. Not counted in ClinVar's aggregate classification.
Comment: This variant is classified as likely benign based on ACMG/AMP sequence variant interpretation guidelines (Richards et al. 2015 PMID: 25741868, with internal and published modifications).

NM_030665.4(RAI1):c.3147G>A (p.Ser1049=)

Gene: RAI1 (retinoic acid induced 1; plus strand). Cytogenetic location: 17p11.2.
Variant type: single nucleotide variant.
Coding change: c.3147G>A on transcript NM_030665.4 (MANE Select); coding-DNA position 3147, G replaced by A.
Protein change: p.Ser1049=; no amino-acid change (serine 1049 retained).
Molecular consequence: synonymous variant.
Genome position (GRCh38, 1-based): chr17:17,796,095, G>A. VCF-style: chr17-17796095-G-A. GRCh37 (hg19) VCF-style: chr17-17699409-G-A.
Other names: c.3147G>A (NM_030665.3).
Identifiers: ClinVar variation 1660152 (VCV001660152.20), dbSNP rs751910089, ClinGen allele CA8418676.